The following is an entry in ClinVar:

ClinVar aggregate classification (germline): Pathogenic. Review status: reviewed by expert panel (3 of 4 stars). 3 submissions from 3 submitters: Pathogenic (1). 2 of the submissions do not count toward it. Last evaluated 2016-10-18.

Conditions:
Breast-ovarian cancer, familial, susceptibility to, 2 (BROVCA2). Also called: BRCA2 Hereditary Breast and Ovarian Cancer. Identifiers: Orphanet 145, MedGen C2675520, MONDO:0012933, OMIM 612555. Disease mechanism: loss of function.

Submissions (3):

Evidence-based Network for the Interpretation of Germline Mutant Alleles (ENIGMA)
Classification: Pathogenic for Breast-ovarian cancer, familial, susceptibility to, 2. Last evaluated: 2016-10-18. Review status: reviewed by expert panel. Criteria: ENIGMA BRCA1/2 Classification Criteria (2015). Collection method: curation. Allele origin: germline.
Comment: Variant allele predicted to encode a truncated non-functional protein.

CeGaT Center for Human Genetics Tuebingen
Classification: Pathogenic. Last evaluated: 2024-03-01. Review status: criteria provided, single submitter. Criteria: CeGaT Center For Human Genetics Tuebingen Variant Classification Criteria Version 2. Collection method: clinical testing. Allele origin: germline. Affected: yes. Observed: 1 variant allele. Not counted in ClinVar's aggregate classification.
Comment: BRCA2: PVS1, PM2

Consortium of Investigators of Modifiers of BRCA1/2 (CIMBA), c/o University of Cambridge
Classification: Pathogenic for Breast-ovarian cancer, familial, susceptibility to, 2. Last evaluated: 2015-10-02. Review status: criteria provided, single submitter. Criteria: CIMBA Mutation Classification guidelines May 2016. Collection method: clinical testing. Allele origin: germline. Not counted in ClinVar's aggregate classification.

NM_000059.4(BRCA2):c.8438del (p.Gly2813fs)

Gene: BRCA2 (BRCA2 DNA repair associated; plus strand). Cytogenetic location: 13q13.1.
Variant type: Deletion.
Coding change: c.8438del on transcript NM_000059.4 (MANE Select); coding-DNA position 8438, one base deleted (G; older notation c.8438delG).
Protein change: p.Gly2813fs; shifts the reading frame from glycine 2813.
Molecular consequence: frameshift variant.
Genome position (GRCh38, 1-based): chr13:32,370,508, G deleted; the last of 2 consecutive G bases (chr13:32,370,507-32,370,508); deleting either gives the same sequence. VCF-style (leftmost placement, unchanged base first): chr13-32370506-AG-A. GRCh37 (hg19) VCF-style: chr13-32944643-AG-A.
Other names: 8666delG; short protein forms G2813fs.
Identifiers: ClinVar variation 267086 (VCV000267086.26), dbSNP rs886040775, ClinGen allele CA10589497.